The following is an entry in ClinVar:

NM_016239.4(MYO15A):c.10182G>A (p.Ala3394=)

Gene: MYO15A (myosin XVA; plus strand). Cytogenetic location: 17p11.2.
Variant type: single nucleotide variant.
Coding change: c.10182G>A on transcript NM_016239.4 (MANE Select); coding-DNA position 10182, G replaced by A.
Protein change: p.Ala3394=; no amino-acid change (alanine 3394 retained).
Molecular consequence: synonymous variant.
Genome position (GRCh38, 1-based): chr17:18,171,737, G>A. VCF-style: chr17-18171737-G-A. GRCh37 (hg19) VCF-style: chr17-18075051-G-A.
Other names: p.Ala3394=.
Identifiers: ClinVar variation 45742 (VCV000045742.67), dbSNP rs79230542, ClinGen allele CA136982.

ClinVar aggregate classification (germline): Conflicting classifications of pathogenicity. Review status: criteria provided, conflicting classifications (1 of 4 stars). 8 submissions from 8 submitters: Uncertain significance (1); Benign (5); Likely benign (1). 1 of the submissions does not count toward it. Last evaluated 2026-09-01.

Conditions:
MYO15A-related disorder. Also called: MYO15A-related condition.
Autosomal recessive nonsyndromic hearing loss 3. Also called: NEUROSENSORY NONSYNDROMIC RECESSIVE DEAFNESS 3. Identifiers: Orphanet 90636, MedGen C1838263, MONDO:0010860, OMIM 600316.

Allele frequency attached by ClinVar (database versions not stated): 1000 Genomes Project 30x 0.00609; gnomAD 0.00680 and 0.00665; TOPMed 0.00729; ESP Exome Variant Server 0.00895; 1000 Genomes Project 0.00619; ExAC 0.00714.
gnomAD v4.1: 13,399 of 1,612,076 alleles (0.83%); highest among the groups gnomAD compares: Middle Eastern, 0.93%; 73 homozygotes.

Submissions (8):

CeGaT Center for Human Genetics Tuebingen
Classification: Likely benign. Last evaluated: 2026-09-01. Review status: criteria provided, single submitter. Criteria: CeGaT Center For Human Genetics Tuebingen Variant Classification Criteria Version 2. Collection method: clinical testing. Allele origin: germline. Affected: yes. Observed: 14 variant alleles.
Comment: MYO15A: BP4, BP7, BS2

Labcorp Genetics (formerly Invitae), Labcorp
Classification: Benign. Last evaluated: 2026-02-03. Review status: criteria provided, single submitter. Criteria: Invitae Variant Classification Sherloc (09022015). Collection method: clinical testing. Allele origin: germline.

Mayo Clinic Laboratories, Mayo Clinic
Classification: Benign. Last evaluated: 2025-08-21. Review status: criteria provided, single submitter. Criteria: ACMG Guidelines, 2015. Collection method: clinical testing. Allele origin: germline. Observed: 1 variant allele.
Comment: BA1, BS2, BP4, BP7

GeneDx
Classification: Benign. Last evaluated: 2019-06-21. Review status: criteria provided, single submitter. Criteria: GeneDx Variant Classification Process June 2021. Collection method: clinical testing. Allele origin: germline. Affected: yes.
Comment: This variant is associated with the following publications: (PMID: 24498627)

Illumina Laboratory Services, Illumina
Classification: Uncertain significance for Autosomal recessive nonsyndromic hearing loss 3. Last evaluated: 2018-01-13. Review status: criteria provided, single submitter. Criteria: ICSL Variant Classification Criteria 13 December 2019. Collection method: clinical testing. Allele origin: germline.

Eurofins Ntd Llc (ga)
Classification: Benign. Last evaluated: 2014-10-16. Review status: criteria provided, single submitter. Criteria: EGL Classification Definitions 2015. Collection method: clinical testing. Allele origin: germline. Observed: 1 variant allele, 1 heterozygote.

Laboratory for Molecular Medicine, Mass General Brigham Personalized Medicine
Classification: Benign. Last evaluated: 2012-04-30. Review status: criteria provided, single submitter. Criteria: LMM Criteria. Collection method: clinical testing. Allele origin: germline. Observed: 27 variant alleles.
Comment: Ala3394Ala in Exon 63 of MYO15A: This variant is not expected to have clinical s ignificance because it does not alter an amino acid residue, is not located with in the splice consensus sequence, and has been identified in 0.9% (29/3294) of A frican American chromosomes from a broad population by the NHLBI Exome Sequencin g Project (dbSNP rs79230542).

PreventionGenetics, part of Exact Sciences
Classification: Benign for MYO15A-related condition. Last evaluated: 2022-02-21. Review status: no assertion criteria provided. Collection method: clinical testing. Allele origin: germline. Not counted in ClinVar's aggregate classification.
Comment: This variant is classified as benign based on ACMG/AMP sequence variant interpretation guidelines (Richards et al. 2015 PMID: 25741868, with internal and published modifications).